The following is an entry in ClinVar:

NM_144670.6(A2ML1):c.3380C>T (p.Ser1127Leu)

Gene: A2ML1 (alpha-2-macroglobulin like 1; plus strand). Cytogenetic location: 12p13.31.
Variant type: single nucleotide variant.
Coding change: c.3380C>T on transcript NM_144670.6 (MANE Select); coding-DNA position 3380, C replaced by T.
Protein change: p.Ser1127Leu; replaces serine 1127 with leucine.
Molecular consequence: missense variant.
Genome position (GRCh38, 1-based): chr12:8,861,175, C>T. VCF-style: chr12-8861175-C-T. GRCh37 (hg19) VCF-style: chr12-9013771-C-T.
Other names: c.1907C>T, p.Ser636Leu (NM_001282424.3); short protein forms S1127L, S636L.
Identifiers: ClinVar variation 241904 (VCV000241904.18), dbSNP rs61749078, ClinGen allele CA6436367.

ClinVar aggregate classification (germline): Benign. Review status: criteria provided, multiple submitters, no conflicts (2 of 4 stars). 6 submissions from 6 submitters: Benign (4). 2 of the submissions do not count toward it. Last evaluated 2026-02-03.

Allele frequency attached by ClinVar (database versions not stated): gnomAD exomes 0.00125 and 0.00329; ExAC 0.00407; gnomAD 0.01266 and 0.01369; 1000 Genomes Project 30x 0.01280; ESP Exome Variant Server 0.01283; 1000 Genomes Project 0.01338; TOPMed 0.01487.

Submissions (6):

Labcorp Genetics (formerly Invitae), Labcorp
Classification: Benign. Last evaluated: 2026-02-03. Review status: criteria provided, single submitter. Criteria: Invitae Variant Classification Sherloc (09022015). Collection method: clinical testing. Allele origin: germline.

Women's Health and Genetics/Laboratory Corporation of America, LabCorp
Classification: Benign. Last evaluated: 2019-11-18. Review status: criteria provided, single submitter. Criteria: LabCorp Variant Classification Summary - May 2015. Collection method: clinical testing. Allele origin: germline.
Comment: Variant summary: A2ML1 c.3380C>T (p.Ser1127Leu) results in a non-conservative amino acid change located in the Alpha-macroglobulin-like, TED domain (IPR011626) of the encoded protein sequence. Three of five in-silico tools predict a benign effect of the variant on protein function. The variant allele was found at a frequency of 0.0033 in 249530 control chromosomes, predominantly at a frequency of 0.044 within the African or African-American subpopulation in the gnomAD database, including 14 homozygotes. The observed variant frequency within African or African-American control individuals in the gnomAD database is approximately 11000-fold of the estimated maximal expected allele frequency for a pathogenic variant in A2ML1 causing Noonan Syndrome phenotype (4e-06), strongly suggesting that the variant is a benign polymorphism found primarily in populations of African or African-American origin. To our knowledge, no occurrence of c.3380C>T in individuals affected with Noonan Syndrome and no experimental evidence demonstrating its impact on protein function have been reported. Two ClinVar submissions from clinical diagnostic laboratories (evaluation after 2014) cite the variant as benign. Based on the evidence outlined above, the variant was classified as benign.

GeneDx
Classification: Benign. Last evaluated: 2017-02-17. Review status: criteria provided, single submitter. Criteria: GeneDx Variant Classification (06012015). Collection method: clinical testing. Allele origin: germline. Affected: yes.
Comment: This variant is considered likely benign or benign based on one or more of the following criteria: it is a conservative change, it occurs at a poorly conserved position in the protein, it is predicted to be benign by multiple in silico algorithms, and/or has population frequency not consistent with disease.

Breakthrough Genomics
Classification: Benign. Review status: criteria provided, single submitter. Criteria: ACMG Guidelines, 2015. Collection method: not provided. Allele origin: germline. Inheritance: Autosomal dominant inheritance. Affected: yes.

Clinical Genetics, Academic Medical Center
Classification: Benign. Review status: no assertion criteria provided. Collection method: clinical testing. Allele origin: germline. Affected: yes. Study: VKGL Data-share Consensus. Not counted in ClinVar's aggregate classification.

Joint Genome Diagnostic Labs from Nijmegen and Maastricht, Radboudumc and MUMC+
Classification: Benign. Review status: no assertion criteria provided. Collection method: clinical testing. Allele origin: germline. Affected: yes. Study: VKGL Data-share Consensus. Not counted in ClinVar's aggregate classification.